The following is an entry in ClinVar:

ClinVar aggregate classification (germline): Uncertain significance (1 of 4 stars; one submission).

Allele frequency attached by ClinVar (database versions not stated): gnomAD exomes 0.00001.

Submission:

Labcorp Genetics (formerly Invitae), Labcorp
Classification: Uncertain significance. Last evaluated: 2023-12-11. Review status: criteria provided, single submitter. Criteria: Invitae Variant Classification Sherloc (09022015). Collection method: clinical testing. Allele origin: germline.
Comment: This variant results in the deletion of part of exon 20 (c.2150-15_2157del) of the AP3D1 gene. It is expected to disrupt RNA splicing. Variants that disrupt the donor or acceptor splice site typically lead to a loss of protein function (PMID: 16199547), however the current clinical and genetic evidence is not sufficient to establish whether loss-of-function variants in AP3D1 cause disease. This variant is present in population databases (no rsID available, gnomAD 0.003%). This variant has not been reported in the literature in individuals affected with AP3D1-related conditions. In summary, the available evidence is currently insufficient to determine the role of this variant in disease. Therefore, it has been classified as a Variant of Uncertain Significance.

Literature cited by the submitters: PubMed 16199547.

NM_001261826.3(AP3D1):c.2150-15_2157del

Gene: AP3D1 (adaptor related protein complex 3 subunit delta 1; minus strand). Cytogenetic location: 19p13.3.
Variant type: Deletion.
Coding change: c.2150-15_2157del on transcript NM_001261826.3 (MANE Select); 15 bases into the intron before coding-DNA position 2150 through coding-DNA position 2157, 23 bases deleted (GCTGCCGGCCCGCAGGGCTGCCT).
Molecular consequence: splice acceptor variant.
Genome position (GRCh38, 1-based): chr19:2,115,411-2,115,433, AGGCAGCCCTGCGGGCCGGCAGC deleted on the plus strand (GCTGCCGGCCCGCAGGGCTGCCT on the coding strand, the reverse complement: AP3D1 is on the minus strand). VCF-style (leftmost placement, unchanged base first): chr19-2115410-TAGGCAGCCCTGCGGGCCGGCAGC-T. GRCh37 (hg19) VCF-style: chr19-2115409-TAGGCAGCCCTGCGGGCCGGCAGC-T.
Other names: c.2150-15_2157del (NM_003938.8, NM_001374799.1).
Identifiers: ClinVar variation 3015483 (VCV003015483.3), dbSNP rs1568281542, ClinGen allele CA631077923.